The following is an entry in ClinVar:

ClinVar aggregate classification (germline): Pathogenic (1 of 4 stars; one submission).

Conditions:
Niemann-Pick disease, type C1. Also called: NIEMANN-PICK DISEASE, VARIANT TYPE C1; NEUROVISCERAL STORAGE DISEASE WITH VERTICAL SUPRANUCLEAR OPHTHALMOPLEGIA; NIEMANN-PICK DISEASE WITH CHOLESTEROL ESTERIFICATION BLOCK; NIEMANN-PICK DISEASE WITHOUT SPHINGOMYELINASE DEFICIENCY; NIEMANN-PICK DISEASE, CHRONIC NEURONOPATHIC FORM. Identifiers: Orphanet 646, MedGen C3179455, MONDO:0009757, OMIM 257220.

Submission:

Labcorp Genetics (formerly Invitae), Labcorp
Classification: Pathogenic for Niemann-Pick disease, type C1. Last evaluated: 2023-10-06. Review status: criteria provided, single submitter. Criteria: Invitae Variant Classification Sherloc (09022015). Collection method: clinical testing. Allele origin: germline.
Comment: This sequence change creates a premature translational stop signal (p.Phe590Leufs*2) in the NPC1 gene. It is expected to result in an absent or disrupted protein product. Loss-of-function variants in NPC1 are known to be pathogenic (PMID: 9211850). This variant is not present in population databases (gnomAD no frequency). This variant has not been reported in the literature in individuals affected with NPC1-related conditions. For these reasons, this variant has been classified as Pathogenic.

Literature cited by the submitters: PubMed 9211850.

NM_000271.5(NPC1):c.1770del (p.Phe590fs)

Gene: NPC1 (NPC intracellular cholesterol transporter 1; minus strand). Cytogenetic location: 18q11.2.
Variant type: Deletion.
Coding change: c.1770del on transcript NM_000271.5 (MANE Select); coding-DNA position 1770, one base deleted (T; older notation c.1770delT).
Protein change: p.Phe590fs; shifts the reading frame from phenylalanine 590.
Molecular consequence: frameshift variant.
Genome position (GRCh38, 1-based): chr18:23,545,137, A deleted on the plus strand (T on the coding strand, the reverse complement: NPC1 is on the minus strand); the first of 4 consecutive A bases (chr18:23,545,137-23,545,140); deleting any one gives the same sequence. VCF-style (leftmost placement, unchanged base first): chr18-23545136-CA-C. GRCh37 (hg19) VCF-style: chr18-21125100-CA-C.
Other names: short protein forms F590fs.
Identifiers: ClinVar variation 2807238 (VCV002807238.3), dbSNP rs1410351489, ClinGen allele CA777725745.